The following is an entry in ClinVar:

NM_002047.4(GARS1):c.1900T>A (p.Leu634Ile)

Gene: GARS1 (glycyl-tRNA synthetase 1; plus strand). Cytogenetic location: 7p14.3.
Variant type: single nucleotide variant.
Coding change: c.1900T>A on transcript NM_002047.4 (MANE Select); coding-DNA position 1900, T replaced by A.
Protein change: p.Leu634Ile; replaces leucine 634 with isoleucine.
Molecular consequence: missense variant.
Genome position (GRCh38, 1-based): chr7:30,631,538, T>A. VCF-style: chr7-30631538-T-A. GRCh37 (hg19) VCF-style: chr7-30671154-T-A.
Other names: c.1738T>A, p.Leu580Ile (NM_001316772.1); short protein forms L580I, L634I.
Identifiers: ClinVar variation 4780005 (VCV004780005.1).

ClinVar aggregate classification (germline): Uncertain significance (1 of 4 stars; one submission).

Conditions:
Charcot-Marie-Tooth disease type 2. Also called: Charcot-Marie-Tooth type 2. Identifiers: Orphanet 64746, MedGen C0270914, MONDO:0018993.

Submission:

Labcorp Genetics (formerly Invitae), Labcorp
Classification: Uncertain significance for Charcot-Marie-Tooth disease type 2. Last evaluated: 2025-08-28. Review status: criteria provided, single submitter. Criteria: Invitae Variant Classification Sherloc (09022015). Collection method: clinical testing. Allele origin: germline.
Comment: This sequence change replaces leucine, which is neutral and non-polar, with isoleucine, which is neutral and non-polar, at codon 634 of the GARS protein (p.Leu634Ile). This variant is not present in population databases (gnomAD no frequency). This variant has not been reported in the literature in individuals affected with GARS-related conditions. Invitae Evidence Modeling of protein sequence and biophysical properties (such as structural, functional, and spatial information, amino acid conservation, physicochemical variation, residue mobility, and thermodynamic stability) indicates that this missense variant is not expected to disrupt GARS protein function with a negative predictive value of 95%. In summary, the available evidence is currently insufficient to determine the role of this variant in disease. Therefore, it has been classified as a Variant of Uncertain Significance.